The following is an entry in ClinVar:

ClinVar aggregate classification (germline): Uncertain significance (1 of 4 stars; one submission).

gnomAD v4.1: 1 of 1,211,141 alleles (0.000083%); highest among the groups gnomAD compares: Non-Finnish European, 0.00011%; no homozygotes.

Submission:

GeneDx
Classification: Uncertain significance. Last evaluated: 2025-02-18. Review status: criteria provided, single submitter. Criteria: GeneDx Variant Classification Process June 2021. Collection method: clinical testing. Allele origin: germline. Affected: yes.
Comment: Not observed at significant frequency in large population cohorts (gnomAD); In silico analysis supports that this missense variant has a deleterious effect on protein structure/function; Also known as p.(C1632S); This variant is associated with the following publications: (PMID: 20378821)

NM_033380.3(COL4A5):c.4912T>A (p.Cys1638Ser)

Gene: COL4A5 (collagen type IV alpha 5 chain; plus strand). Cytogenetic location: Xq22.3.
Variant type: single nucleotide variant.
Coding change: c.4912T>A on transcript NM_033380.3 (MANE Select); coding-DNA position 4912, T replaced by A.
Protein change: p.Cys1638Ser; replaces cysteine 1638 with serine.
Molecular consequence: missense variant.
Genome position (GRCh38, 1-based): chrX:108,695,357, T>A. VCF-style: chrX-108695357-T-A. GRCh37 (hg19) VCF-style: chrX-107938587-T-A.
Other names: c.4894T>A, p.Cys1632Ser (NM_000495.5); short protein forms C1632S, C1638S.
Identifiers: ClinVar variation 4075739 (VCV004075739.1).